The following is an entry in ClinVar:

ClinVar aggregate classification (germline): Benign/Likely benign. Review status: criteria provided, multiple submitters, no conflicts (2 of 4 stars). 3 submissions from 3 submitters: Benign (1); Likely benign (2). Last evaluated 2026-08-01.

Conditions:
Inborn genetic diseases. Identifiers: MedGen C0950123, MeSH D030342.
Early-infantile DEE. Also called: Early infantile epileptic encephalopathy with suppression bursts; Early infantile epileptic encephalopathy; Ohtahara syndrome. Identifiers: Orphanet 1934, MedGen C0393706, MONDO:0800491.

Allele frequency attached by ClinVar (database versions not stated): gnomAD 0.00011 and 0.00023; TOPMed 0.00024; gnomAD exomes 0.00038; ExAC 0.00042; 1000 Genomes Project 30x 0.00062; 1000 Genomes Project 0.00080.
gnomAD v4.1: 697 of 1,613,674 alleles (0.043%); highest among the groups gnomAD compares: East Asian, 1%; 1 homozygote.

Submissions (3):

CeGaT Center for Human Genetics Tuebingen
Classification: Likely benign. Last evaluated: 2026-08-01. Review status: criteria provided, single submitter. Criteria: CeGaT Center For Human Genetics Tuebingen Variant Classification Criteria Version 2. Collection method: clinical testing. Allele origin: germline. Affected: yes. Observed: 3 variant alleles.
Comment: HCN1: BP4, BP7, BS1

Labcorp Genetics (formerly Invitae), Labcorp
Classification: Benign for Early-infantile DEE. Last evaluated: 2026-01-26. Review status: criteria provided, single submitter. Criteria: Invitae Variant Classification Sherloc (09022015). Collection method: clinical testing. Allele origin: germline.

Ambry Genetics
Classification: Likely benign for Inborn genetic diseases. Last evaluated: 2017-01-20. Review status: criteria provided, single submitter. Criteria: Ambry Variant Classification Scheme 2023. Collection method: clinical testing. Allele origin: germline.

NM_021072.4(HCN1):c.1041C>T (p.Tyr347=)

Gene: HCN1 (hyperpolarization activated cyclic nucleotide gated potassium channel 1; minus strand). Cytogenetic location: 5p12.
Variant type: single nucleotide variant.
Coding change: c.1041C>T on transcript NM_021072.4 (MANE Select); coding-DNA position 1041, C replaced by T.
Protein change: p.Tyr347=; no amino-acid change (tyrosine 347 retained).
Molecular consequence: synonymous variant.
Genome position (GRCh38, 1-based): chr5:45,396,681, G>A on the plus strand (C>T on the coding strand, the complement: HCN1 is on the minus strand). VCF-style: chr5-45396681-G-A. GRCh37 (hg19) VCF-style: chr5-45396783-G-A.
Identifiers: ClinVar variation 412775 (VCV000412775.46), dbSNP rs140235085, ClinGen allele CA3259369.